The following is an entry in ClinVar:

ClinVar aggregate classification (germline): Benign/Likely benign. Review status: criteria provided, multiple submitters, no conflicts (2 of 4 stars). 8 submissions from 8 submitters: Benign (7); Likely benign (1). Last evaluated 2026-02-03.

Conditions:
Neurofibromatosis, type 1 (NF1). Also called: NEUROFIBROMATOSIS, TYPE I, SOMATIC; Neurofibromatosis, type I; VON RECKLINGHAUSEN DISEASE; Peripheral type neurofibromatosis. Identifiers: Orphanet 636, MedGen C0027831, MONDO:0018975, OMIM 162200. Disease mechanism: loss of function.

Allele frequency attached by ClinVar (database versions not stated): gnomAD exomes 0.00062 and 0.00169; ExAC 0.00194; gnomAD 0.00628 and 0.00673; 1000 Genomes Project 0.00719; ESP Exome Variant Server 0.00723; TOPMed 0.00736; 1000 Genomes Project 30x 0.00796.
gnomAD v4.1: 1,901 of 1,613,898 alleles (0.12%); highest among the groups gnomAD compares: African/African-American, 2.3%; 24 homozygotes.

Submissions (8):

Labcorp Genetics (formerly Invitae), Labcorp
Classification: Benign for Neurofibromatosis, type 1. Last evaluated: 2026-02-03. Review status: criteria provided, single submitter. Criteria: Invitae Variant Classification Sherloc (09022015). Collection method: clinical testing. Allele origin: germline.

ARUP Laboratories, Molecular Genetics and Genomics, ARUP Laboratories
Classification: Benign. Last evaluated: 2025-06-04. Review status: criteria provided, single submitter. Criteria: ARUP Molecular Germline Variant Investigation Process 2024. Collection method: clinical testing. Allele origin: germline.

KCCC/NGS Laboratory, Kuwait Cancer Control Center
Classification: Benign for Neurofibromatosis, type 1. Last evaluated: 2025-02-01. Review status: criteria provided, single submitter. Criteria: ACMG Guidelines, 2015. Collection method: clinical testing. Allele origin: germline. Affected: no.

Genome-Nilou Lab
Classification: Benign for Neurofibromatosis, type 1. Last evaluated: 2022-03-15. Review status: criteria provided, single submitter. Criteria: ACMG Guidelines, 2015. Collection method: clinical testing. Allele origin: germline. Affected: no.

Women's Health and Genetics/Laboratory Corporation of America, LabCorp
Classification: Benign. Last evaluated: 2020-01-06. Review status: criteria provided, single submitter. Criteria: LabCorp Variant Classification Summary - May 2015. Collection method: clinical testing. Allele origin: germline.
Comment: Variant summary: NF1 c.3496+19T>C alters a non-conserved nucleotide located close to a canonical splice site and therefore could affect mRNA splicing, leading to a significantly altered protein sequence. 5/5 computational tools predict no significant impact on normal splicing. However, these predictions have yet to be confirmed by functional studies. The variant allele was found at a frequency of 0.0017 in 250870 control chromosomes in the gnomAD database, including 2 homozygotes. The observed variant frequency is approximately 677.6 fold the estimated maximal expected allele frequency for a pathogenic variant in NF1 causing Noonan Syndrome and Related Conditions phenotype (2.5e-06), strongly suggesting that the variant is benign. To our knowledge, no occurrence of c.3496+19T>C in individuals affected with Noonan Syndrome and Related Conditions and no experimental evidence demonstrating an impact on protein function have been reported. Two other clinical diagnostic laboratories have submitted clinical-significance assessments for this variant to ClinVar after 2014 without evidence for independent evaluation. Both laboratories classified the variant as benign/likely benign. Based on the evidence outlined above, the variant was classified as benign.

GeneDx
Classification: Benign. Last evaluated: 2018-01-02. Review status: criteria provided, single submitter. Criteria: GeneDx Variant Classification (06012015). Collection method: clinical testing. Allele origin: germline. Affected: yes.
Comment: This variant is considered likely benign or benign based on one or more of the following criteria: it is a conservative change, it occurs at a poorly conserved position in the protein, it is predicted to be benign by multiple in silico algorithms, and/or has population frequency not consistent with disease.

Center for Human Genetics, Inc
Classification: Likely benign for Neurofibromatosis, type 1. Last evaluated: 2016-11-01. Review status: criteria provided, single submitter. Criteria: ACMG Guidelines, 2015. Collection method: clinical testing. Allele origin: germline. Affected: yes.

PreventionGenetics, part of Exact Sciences
Classification: Benign. Review status: criteria provided, single submitter. Criteria: ACMG Guidelines, 2015. Collection method: clinical testing. Allele origin: germline.

Literature cited by the submitters: PubMed 10678181 (cited by Women's Health and Genetics/Laboratory Corporation of America, LabCorp); PubMed 23460398 (cited by Women's Health and Genetics/Laboratory Corporation of America, LabCorp).

NM_001042492.3(NF1):c.3496+19T>C

Gene: NF1 (neurofibromin 1; plus strand). Cytogenetic location: 17q11.2.
Variant type: single nucleotide variant.
Coding change: c.3496+19T>C on transcript NM_001042492.3 (MANE Select); 19 bases into the intron after coding-DNA position 3496, T replaced by C.
Molecular consequence: intron variant.
Genome position (GRCh38, 1-based): chr17:31,232,900, T>C. VCF-style: chr17-31232900-T-C. GRCh37 (hg19) VCF-style: chr17-29559918-T-C.
Other names: c.3496+19T>C (NM_000267.4).
Identifiers: ClinVar variation 257284 (VCV000257284.21), dbSNP rs9890283, ClinGen allele CA8486174.